The following is an entry in ClinVar:

ClinVar aggregate classification (germline): Uncertain significance. Review status: criteria provided, multiple submitters, no conflicts (2 of 4 stars). 2 submissions from 2 submitters: Uncertain significance (2). Last evaluated 2022-08-12.

Conditions:
Autoimmune lymphoproliferative syndrome, type III caused by mutation in PRKCD. Identifiers: Orphanet 3261, Orphanet 664711, MedGen C3809928, MONDO:8000024, OMIM 615559.

Allele frequency attached by ClinVar (database versions not stated): gnomAD exomes 0.00005; gnomAD 0.00009; TOPMed 0.00008; ExAC 0.00007; ESP Exome Variant Server 0.00015.
gnomAD v4.1: 202 of 1,612,664 alleles (0.013%); highest among the groups gnomAD compares: Non-Finnish European, 0.016%; no homozygotes.

Submissions (2):

Labcorp Genetics (formerly Invitae), Labcorp
Classification: Uncertain significance for Autoimmune lymphoproliferative syndrome, type III caused by mutation in PRKCD. Last evaluated: 2022-08-12. Review status: criteria provided, single submitter. Criteria: Invitae Variant Classification Sherloc (09022015). Collection method: clinical testing. Allele origin: germline.
Comment: This sequence change replaces glutamic acid, which is acidic and polar, with lysine, which is basic and polar, at codon 317 of the PRKCD protein (p.Glu317Lys). This variant is present in population databases (rs55929201, gnomAD 0.01%). This variant has not been reported in the literature in individuals affected with PRKCD-related conditions. ClinVar contains an entry for this variant (Variation ID: 618335). Algorithms developed to predict the effect of missense changes on protein structure and function (SIFT, PolyPhen-2, Align-GVGD) all suggest that this variant is likely to be tolerated. In summary, the available evidence is currently insufficient to determine the role of this variant in disease. Therefore, it has been classified as a Variant of Uncertain Significance.

ARUP Laboratories, Molecular Genetics and Genomics, ARUP Laboratories
Classification: Uncertain significance. Last evaluated: 2017-08-28. Review status: criteria provided, single submitter. Criteria: ARUP Molecular Germline Variant Investigation Process. Collection method: clinical testing. Allele origin: germline.
Comment: The p.Glu317Lys variant (rs55929201) has not been reported in the medical literature, gene specific variation databases, nor has it been previously identified by our laboratory. This variant is listed in the genome Aggregation Database (gnomAD) with a European (Non-Finnish) population frequency of 0.01 percent (identified on 16 out of 126,514 chromosomes). The glutamic acid at position 317 is weakly conserved and computational analyses of the effects of the p.Glu317Lys variant on protein structure and function indicate a neutral effect (SIFT: tolerated, MutationTaster: polymorphism, PolyPhen-2: benign). Altogether, there is not enough evidence to classify the p.Glu317Lys variant with certainty.

NM_006254.4(PRKCD):c.949G>A (p.Glu317Lys)

Gene: PRKCD (protein kinase C delta; plus strand). Cytogenetic location: 3p21.1.
Variant type: single nucleotide variant.
Coding change: c.949G>A on transcript NM_006254.4 (MANE Select); coding-DNA position 949, G replaced by A.
Protein change: p.Glu317Lys; replaces glutamic acid 317 with lysine.
Molecular consequence: missense variant.
Genome position (GRCh38, 1-based): chr3:53,185,664, G>A. VCF-style: chr3-53185664-G-A. GRCh37 (hg19) VCF-style: chr3-53219680-G-A.
Other names: c.949G>A, p.Glu317Lys (NM_001316327.2, NM_001354679.2, NM_001354680.2 and 2 more transcripts); c.1006G>A, p.Glu336Lys (NM_001354676.2); c.997G>A, p.Glu333Lys (NM_001354678.2); short protein forms E317K, E336K, E333K.
Identifiers: ClinVar variation 618335 (VCV000618335.11), dbSNP rs55929201, ClinGen allele CA2452022.
Genomic context (GRCh38, chr3:53,185,664, plus strand): 5'-AGAGCCTCCCGGAGATCAGACTCAGCCTCCTCAGAGCCTGTTGGGATATATCAGGGTTTC[G>A]AGAAGAAGACCGGAGTTGCTGGGGAGGACATGCAAGGTGAAGCTGGGTCCATTGCCCCAT-3'
Protein context (NP_006245.2, residues 307-327): SEPVGIYQGF[Glu317Lys]KKTGVAGEDM